The following is an entry in ClinVar:

NM_015102.5(NPHP4):c.279G>T (p.Glu93Asp)

Gene: NPHP4 (nephrocystin 4; minus strand). Cytogenetic location: 1p36.31.
Variant type: single nucleotide variant.
Coding change: c.279G>T on transcript NM_015102.5 (MANE Select); coding-DNA position 279, G replaced by T.
Protein change: p.Glu93Asp; replaces glutamic acid 93 with aspartic acid.
Molecular consequence: missense variant. On other transcripts: 5 prime UTR variant (1), non-coding transcript variant (1), intron variant (1).
Genome position (GRCh38, 1-based): chr1:5,978,270, C>A on the plus strand (G>T on the coding strand, the complement: NPHP4 is on the minus strand). VCF-style: chr1-5978270-C-A. GRCh37 (hg19) VCF-style: chr1-6038330-C-A.
Other names: p.Glu93Asp; c.-951G>T (NM_001291593.2); c.-1087-9011G>T (NM_001291594.2); short protein forms E93D.
Identifiers: ClinVar variation 196470 (VCV000196470.14), dbSNP rs775927621, ClinGen allele CA243430.
Genomic context (GRCh38, chr1:5,978,270, plus strand): 5'-ACCACCCGCACACACACCCTCCGCCTTGGAGCAGCCCCTGCCACCATCACCAGGGCCCAC[C>A]TCATTAAAGACGATCCTGGACGGCGGTCTCTTCGTCGGCTTCACTGTGGTTTTCCACGTC-3'
Protein context (NP_055917.1, residues 83-103): KRPPSRIVFN[Glu93Asp]PLYFHTSLNH

ClinVar aggregate classification (germline): Uncertain significance. Review status: criteria provided, multiple submitters, no conflicts (2 of 4 stars). 5 submissions from 5 submitters: Uncertain significance (5). Last evaluated 2024-02-26.

Conditions:
Nephronophthisis. Also called: Juvenile Nephronophthisis. Identifiers: Orphanet 655, MedGen C0687120, MONDO:0019005, HP:0000090.
Nephronophthisis 4 (NPHP4). Also called: NEPHRONOPHTHISIS 4, JUVENILE. Identifiers: Orphanet 655, MedGen C1847013, MONDO:0011752, OMIM 606966.
Senior-Loken syndrome 4 (SLSN4). Identifiers: Orphanet 3156, MedGen C1846979, MONDO:0011756, OMIM 606996.

Allele frequency attached by ClinVar (database versions not stated): gnomAD exomes 0.00001; ExAC 0.00003; gnomAD 0.00005 and 0.00006; TOPMed 0.00006.
gnomAD v4.1: 12 of 1,604,668 alleles (0.00075%); highest among the groups gnomAD compares: African/African-American, 0.016%; no homozygotes.

Submissions (5):

Mayo Clinic Laboratories, Mayo Clinic
Classification: Uncertain significance. Last evaluated: 2024-02-26. Review status: criteria provided, single submitter. Criteria: ACMG Guidelines, 2015. Collection method: clinical testing. Allele origin: germline. Observed: 1 variant allele.
Comment: PP3, PM2

Labcorp Genetics (formerly Invitae), Labcorp
Classification: Uncertain significance for Nephronophthisis. Last evaluated: 2022-11-15. Review status: criteria provided, single submitter. Criteria: Invitae Variant Classification Sherloc (09022015). Collection method: clinical testing. Allele origin: germline.
Comment: In summary, the available evidence is currently insufficient to determine the role of this variant in disease. Therefore, it has been classified as a Variant of Uncertain Significance. Variants that disrupt the consensus splice site are a relatively common cause of aberrant splicing (PMID: 17576681, 9536098). Algorithms developed to predict the effect of sequence changes on RNA splicing suggest that this variant may disrupt the consensus splice site. Algorithms developed to predict the effect of missense changes on protein structure and function are either unavailable or do not agree on the potential impact of this missense change (SIFT: "Deleterious"; PolyPhen-2: "Possibly Damaging"; Align-GVGD: "Class C0"). ClinVar contains an entry for this variant (Variation ID: 196470). This variant has not been reported in the literature in individuals affected with NPHP4-related conditions. The frequency data for this variant in the population databases is considered unreliable, as metrics indicate poor data quality at this position in the gnomAD database. This sequence change replaces glutamic acid, which is acidic and polar, with aspartic acid, which is acidic and polar, at codon 93 of the NPHP4 protein (p.Glu93Asp). This variant also falls at the last nucleotide of exon 3, which is part of the consensus splice site for this exon.

Fulgent Genetics
Classification: Uncertain significance for Nephronophthisis 4; Senior-Loken syndrome 4. Last evaluated: 2022-05-17. Review status: criteria provided, single submitter. Criteria: ACMG Guidelines, 2015. Collection method: clinical testing. Allele origin: unknown.

Blueprint Genetics
Classification: Uncertain significance. Last evaluated: 2019-08-01. Review status: criteria provided, single submitter. Criteria: ACMG Guidelines, 2015. Collection method: clinical testing. Allele origin: germline.

Eurofins Ntd Llc (ga)
Classification: Uncertain significance. Last evaluated: 2017-07-11. Review status: criteria provided, single submitter. Criteria: EGL Classification Definitions 2015. Collection method: clinical testing. Allele origin: germline. Observed: 3 variant alleles, 2 heterozygotes, 1 homozygote.

Literature cited by the submitters: PubMed 17576681 (cited by Labcorp Genetics (formerly Invitae), Labcorp); PubMed 9536098 (cited by Labcorp Genetics (formerly Invitae), Labcorp).